The following is an entry in ClinVar:

ClinVar aggregate classification (germline): Conflicting classifications of pathogenicity. Review status: criteria provided, conflicting classifications (1 of 4 stars). 3 submissions from 3 submitters: Pathogenic (1); Uncertain significance (2). Last evaluated 2026-04-14.

Conditions:
Mitochondrial short-chain Enoyl-Coa hydratase 1 deficiency. Also called: ECHS1 deficiency; PxMD-ECHS1; Mitochondrial Short-Chain Enoyl-CoA Hydratase Deficiency. Identifiers: Orphanet 255241, Orphanet 653880, MedGen C4225391, MONDO:0014563, OMIM 616277.

Allele frequency attached by ClinVar (database versions not stated): gnomAD exomes below 0.00001.

Submissions (3):

Victorian Clinical Genetics Services, Murdoch Childrens Research Institute
Classification: Pathogenic for Mitochondrial short-chain Enoyl-Coa hydratase 1 deficiency. Last evaluated: 2026-04-14. Review status: criteria provided, single submitter. Criteria: ACMG Guidelines, 2015. Collection method: clinical testing. Allele origin: germline. Affected: yes.
Comment: This variant is classified as Pathogenic. Evidence in support of pathogenic classification: Variant is present in gnomAD <0.01 for a recessive condition (v4: 5 heterozygote(s), 0 homozygote(s)); This variant has moderate previous evidence of pathogenicity in unrelated individuals. This variant has been reported in the literature in five affected individuals from three unrelated families, all compound heterozygous with p.(Pro163=) (PMID: 38820906) - Variant is located in the well-established functional Enoyl-CoA hydratase/isomerase domain and affects the CoA-binding pocket (DECIPHER, PMID: 40240482). Functional studies have shown that a variant at this residue p.(Ile100Ala) significantly affects the binding affinity of ECHS1 and crotonyl-CoA, and reduced ECHS1 enzyme activity (PMID: 40240482); Missense variant predicted to be damaging by in silico tool(s) or highly conserved with a major amino acid change; Heterozygous variant detected in trans with a second LIKELY PATHOGENIC heterozygous variant (NM_004092.4(ECHS1):c.712G>A; p.(Ala238Thr)) in a recessive disease. Additional information: Variant is predicted to result in a missense amino acid change from Ile to Thr; This variant is heterozygous; This gene is associated with autosomal recessive disease; Alternative amino acid change(s) at the same position are present in gnomAD (highest allele count: v4: 2 heterozygote(s), 0 homozygote(s)); No published functional evidence has been identified for this variant; No comparable missense variants have previous evidence for pathogenicity; Loss of function is a known mechanism of disease in this gene and is associated with mitochondrial short-chain enoyl-CoA hydratase 1 deficiency (MIM#616277); Variants in this gene are known to have variable expressivity. The age at onset and clinical manifestations of ECHS1 deficiency, are known to vary from severe neonatal onset to a slowly progressive juvenile form (PMID: 36064416).

Blueprint Genetics
Classification: Uncertain significance. Last evaluated: 2021-05-18. Review status: criteria provided, single submitter. Criteria: ACMG Guidelines, 2015. Collection method: clinical testing. Allele origin: germline.

Juno Genomics, Hangzhou Juno Genomics, Inc
Classification: Uncertain significance for Mitochondrial short-chain Enoyl-Coa hydratase 1 deficiency. Review status: criteria provided, single submitter. Criteria: ACMG Guidelines, 2015. Collection method: clinical testing. Allele origin: germline.
Comment: Absent from controls (or at extremely low frequency if recessive) in Genome Aggregation Database.;Multiple lines of computational evidence support a deleterious effect on the gene or gene product.

Literature cited by the submitters: PubMed 40240482 (cited by Victorian Clinical Genetics Services, Murdoch Childrens Research Institute); PubMed 38820906 (cited by Victorian Clinical Genetics Services, Murdoch Childrens Research Institute); PubMed 36064416 (cited by Victorian Clinical Genetics Services, Murdoch Childrens Research Institute).

NM_004092.4(ECHS1):c.299T>C (p.Ile100Thr)

Gene: ECHS1 (enoyl-CoA hydratase, short chain 1; minus strand). Cytogenetic location: 10q26.3.
Variant type: single nucleotide variant.
Coding change: c.299T>C on transcript NM_004092.4 (MANE Select); coding-DNA position 299, T replaced by C.
Protein change: p.Ile100Thr; replaces isoleucine 100 with threonine.
Molecular consequence: missense variant.
Genome position (GRCh38, 1-based): chr10:133,370,019, A>G on the plus strand (T>C on the coding strand, the complement: ECHS1 is on the minus strand). VCF-style: chr10-133370019-A-G. GRCh37 (hg19) VCF-style: chr10-135183523-A-G.
Other names: short protein forms I100T.
Identifiers: ClinVar variation 1806310 (VCV001806310.5), dbSNP rs757423756, ClinGen allele CA216818576.